The following is an entry in ClinVar:

ClinVar aggregate classification (germline): Uncertain significance (1 of 4 stars; one submission).

Conditions:
Hypertrophic cardiomyopathy. Also called: HYPERTROPHIC MYOCARDIOPATHY. Identifiers: Orphanet 217569, MedGen C0007194, MeSH D002312, MONDO:0005045, HP:0001639.

Submission:

Labcorp Genetics (formerly Invitae), Labcorp
Classification: Uncertain significance for Hypertrophic cardiomyopathy. Last evaluated: 2025-08-15. Review status: criteria provided, single submitter. Criteria: Invitae Variant Classification Sherloc (09022015). Collection method: clinical testing. Allele origin: germline.
Comment: This sequence change replaces glutamic acid, which is acidic and polar, with aspartic acid, which is acidic and polar, at codon 236 of the TPM1 protein (p.Glu236Asp). This variant is not present in population databases (gnomAD no frequency). This variant has not been reported in the literature in individuals affected with TPM1-related conditions. An algorithm developed to predict the effect of missense changes on protein structure and function (PolyPhen-2) suggests that this variant is likely to be disruptive. In summary, the available evidence is currently insufficient to determine the role of this variant in disease. Therefore, it has been classified as a Variant of Uncertain Significance.

NM_001018005.2(TPM1):c.708G>C (p.Glu236Asp)

Gene: TPM1 (tropomyosin 1; plus strand). Cytogenetic location: 15q22.2.
Variant type: single nucleotide variant.
Coding change: c.708G>C on transcript NM_001018005.2 (MANE Select); coding-DNA position 708, G replaced by C.
Protein change: p.Glu236Asp; replaces glutamic acid 236 with aspartic acid.
Molecular consequence: missense variant. On other transcripts: non-coding transcript variant (17).
Genome position (GRCh38, 1-based): chr15:63,062,581, G>C. VCF-style: chr15-63062581-G-C. GRCh37 (hg19) VCF-style: chr15-63354780-G-C.
Other names: c.708G>C, p.Glu236Asp (NM_000366.6, NM_001018004.2, NM_001018006.2 and 20 more transcripts); c.600G>C, p.Glu200Asp (NM_001018008.2, NM_001301289.2, NM_001330344.2 and 9 more transcripts); c.834G>C, p.Glu278Asp (NM_001365778.1, NM_001407322.1, NM_001407323.1 and 1 more transcripts); short protein forms E200D, E278D, E236D.
Identifiers: ClinVar variation 4699878 (VCV004699878.1).